The following is an entry in ClinVar:

ClinVar aggregate classification (germline): Uncertain significance (1 of 4 stars; one submission).

Submission:

Labcorp Genetics (formerly Invitae), Labcorp
Classification: Uncertain significance. Last evaluated: 2022-07-21. Review status: criteria provided, single submitter. Criteria: Invitae Variant Classification Sherloc (09022015). Collection method: clinical testing. Allele origin: germline.
Comment: In summary, the available evidence is currently insufficient to determine the role of this variant in disease. Therefore, it has been classified as a Variant of Uncertain Significance. Algorithms developed to predict the effect of missense changes on protein structure and function are either unavailable or do not agree on the potential impact of this missense change (SIFT: "Deleterious"; PolyPhen-2: "Probably Damaging"; Align-GVGD: "Class C0"). This variant has not been reported in the literature in individuals affected with MYO5B-related conditions. This variant is not present in population databases (gnomAD no frequency). This sequence change replaces glycine, which is neutral and non-polar, with alanine, which is neutral and non-polar, at codon 1709 of the MYO5B protein (p.Gly1709Ala).

NM_001080467.3(MYO5B):c.5126G>C (p.Gly1709Ala)

Genes: MYO5B (myosin VB; minus strand), SNHG22 (small nucleolar RNA host gene 22; plus strand). Cytogenetic location: 18q21.1.
Variant type: single nucleotide variant.
Coding change: c.5126G>C on transcript NM_001080467.3 (MANE Select); coding-DNA position 5126, G replaced by C.
Protein change: p.Gly1709Ala; replaces glycine 1709 with alanine.
Molecular consequence: missense variant.
Genome position (GRCh38, 1-based): chr18:49,837,529, C>G on the plus strand (G>C on the coding strand, the complement: MYO5B is on the minus strand). VCF-style: chr18-49837529-C-G. GRCh37 (hg19) VCF-style: chr18-47363899-C-G.
Other names: short protein forms G1709A.
Identifiers: ClinVar variation 1722032 (VCV001722032.5), dbSNP rs2511234179, ClinGen allele CA402421154.